The following is an entry in ClinVar:

NM_016816.4(OAS1):c.56A>G (p.Tyr19Cys)

Genes: OAS1 (2'-5'-oligoadenylate synthetase 1; plus strand), LOC130008812 (ATAC-STARR-seq lymphoblastoid active region 7052; plus strand). Cytogenetic location: 12q24.13.
Variant type: single nucleotide variant.
Coding change: c.56A>G on transcript NM_016816.4 (MANE Select); coding-DNA position 56, A replaced by G.
Protein change: p.Tyr19Cys; replaces tyrosine 19 with cysteine.
Molecular consequence: missense variant. On other transcripts: non-coding transcript variant (9).
Genome position (GRCh38, 1-based): chr12:112,907,095, A>G. VCF-style: chr12-112907095-A-G. GRCh37 (hg19) VCF-style: chr12-113344900-A-G.
Other names: c.56A>G, p.Tyr19Cys (NM_001032409.3, NM_001320151.2, NM_001406020.1 and 10 more transcripts); short protein forms Y19C.
Identifiers: ClinVar variation 4765745 (VCV004765745.1).

ClinVar aggregate classification (germline): Uncertain significance (1 of 4 stars; one submission).

gnomAD v4.1: 2 of 1,614,212 alleles (0.00012%); highest among the groups gnomAD compares: Non-Finnish European, 0.00017%; no homozygotes.

Submission:

Labcorp Genetics (formerly Invitae), Labcorp
Classification: Uncertain significance. Last evaluated: 2025-02-20. Review status: criteria provided, single submitter. Criteria: Invitae Variant Classification Sherloc (09022015). Collection method: clinical testing. Allele origin: germline.
Comment: This sequence change replaces tyrosine, which is neutral and polar, with cysteine, which is neutral and slightly polar, at codon 19 of the OAS1 protein (p.Tyr19Cys). This variant is not present in population databases (gnomAD no frequency). This variant has not been reported in the literature in individuals affected with OAS1-related conditions. An algorithm developed to predict the effect of missense changes on protein structure and function (PolyPhen-2) suggests that this variant is likely to be disruptive. In summary, the available evidence is currently insufficient to determine the role of this variant in disease. Therefore, it has been classified as a Variant of Uncertain Significance.